The following is an entry in ClinVar:

NM_032638.5(GATA2):c.331CAC[2] (p.His113del)

Gene: GATA2 (GATA binding protein 2; minus strand). Cytogenetic location: 3q21.3.
Variant type: Microsatellite.
Coding change: c.331CAC[2] on transcript NM_032638.5 (MANE Select); two copies in a row of the 3-base unit CAC starting at c.331; the reference has three copies in a row; one copy, 3 bases deleted.
Protein change: p.His113del; deletes histidine 113.
Molecular consequence: inframe deletion.
Genome position (GRCh38, 1-based): chr3:128,486,259-128,486,261, GTG deleted on the plus strand (CAC on the coding strand, the reverse complement: GATA2 is on the minus strand); deleting any 3 consecutive bases within chr3:128,486,259-128,486,268 gives the same sequence; the position shown is the placement nearest the transcript's 3' end. VCF-style (leftmost placement, unchanged base first): chr3-128486258-TGTG-T. GRCh37 (hg19) VCF-style: chr3-128205101-TGTG-T.
Other names: c.331CAC[2], p.His113del (NM_001145661.2, NM_001145662.1); c.337_339delCAC (NM_032638.4); short protein forms H113del.
Identifiers: ClinVar variation 858280 (VCV000858280.12), dbSNP rs777017660, ClinGen allele CA2600039.

ClinVar aggregate classification (germline): Conflicting classifications of pathogenicity. Review status: criteria provided, conflicting classifications (1 of 4 stars). 3 submissions from 3 submitters: Uncertain significance (2); Likely benign (1). Last evaluated 2025-11-10.

Conditions:
Inborn genetic diseases. Identifiers: MedGen C0950123, MeSH D030342.
Deafness-lymphedema-leukemia syndrome. Also called: Emberger syndrome; Lymphedema, primary, with myelodysplasia. Identifiers: Orphanet 3226, MedGen C3279664, MONDO:0013540, OMIM 614038.
Monocytopenia with susceptibility to infections. Also called: GATA2 DEFICIENCY; IMMUNODEFICIENCY 21; MONOCYTOPENIA AND MYCOBACTERIAL INFECTION SYNDROME; MONOCYTOPENIA WITH SUSCEPTIBILITY TO MYCOBACTERIAL, FUNGAL, AND PAPILLOMAVIRUS INFECTIONS AND MYELODYSPLASIA; COMBINED IMMUNODEFICIENCY WITH SUSCEPTIBILITY TO MYCOBACTERIAL, VIRAL, AND FUNGAL INFECTIONS; Dendritic cell, monocyte, B lymphocyte, and natural killer lymphocyte deficiency. Identifiers: Orphanet 228423, MedGen C3280030, MONDO:0013607, OMIM 614172.

Submissions (3):

Labcorp Genetics (formerly Invitae), Labcorp
Classification: Uncertain significance for Monocytopenia with susceptibility to infections; Deafness-lymphedema-leukemia syndrome. Last evaluated: 2025-11-10. Review status: criteria provided, single submitter. Criteria: Invitae Variant Classification Sherloc (09022015). Collection method: clinical testing. Allele origin: germline.
Comment: This variant, c.337_339del, results in the deletion of 1 amino acid(s) of the GATA2 protein (p.His113del), but otherwise preserves the integrity of the reading frame. This variant is present in population databases (rs777017660, gnomAD 0.02%). This variant has not been reported in the literature in individuals affected with GATA2-related conditions. ClinVar contains an entry for this variant (Variation ID: 858280). Experimental studies and prediction algorithms are not available or were not evaluated, and the functional significance of this variant is currently unknown. In summary, the available evidence is currently insufficient to determine the role of this variant in disease. Therefore, it has been classified as a Variant of Uncertain Significance.

Ambry Genetics
Classification: Likely benign for Inborn genetic diseases. Last evaluated: 2024-03-20. Review status: criteria provided, single submitter. Criteria: Ambry Variant Classification Scheme 2023. Collection method: clinical testing. Allele origin: germline.

Genetic Services Laboratory, University of Chicago
Classification: Uncertain significance. Last evaluated: 2018-07-26. Review status: criteria provided, single submitter. Criteria: ACMG Guidelines, 2015. Collection method: clinical testing. Allele origin: germline. Affected: no.